The following is an entry in ClinVar:

ClinVar aggregate classification (germline): Likely benign. Review status: criteria provided, multiple submitters, no conflicts (2 of 4 stars). 2 submissions from 2 submitters: Likely benign (2). Last evaluated 2025-07-31.

Conditions:
PIEZO1-related disorder. Also called: PIEZO1-Related Disorders; PIEZO1-related condition.

Allele frequency attached by ClinVar (database versions not stated): ExAC 0.00005; 1000 Genomes Project 30x 0.00016; 1000 Genomes Project 0.00020; TOPMed 0.00030.
gnomAD v4.1: 94 of 1,459,644 alleles (0.0064%); highest among the groups gnomAD compares: African/African-American, 0.11%; no homozygotes.

Submissions (2):

Labcorp Genetics (formerly Invitae), Labcorp
Classification: Likely benign. Last evaluated: 2025-07-31. Review status: criteria provided, single submitter. Criteria: Invitae Variant Classification Sherloc (09022015). Collection method: clinical testing. Allele origin: germline.

PreventionGenetics, part of Exact Sciences
Classification: Likely benign for PIEZO1-related condition. Last evaluated: 2025-02-13. Review status: criteria provided, single submitter. Criteria: ACMG Guidelines, 2015. Collection method: clinical testing. Allele origin: germline.
Comment: This variant is classified as likely benign based on ACMG/AMP sequence variant interpretation guidelines (Richards et al. 2015 PMID: 25741868, with internal and published modifications).

NM_001142864.4(PIEZO1):c.3969-8C>T

Gene: PIEZO1 (piezo type mechanosensitive ion channel component 1 (Er blood group); minus strand). Cytogenetic location: 16q24.3.
Variant type: single nucleotide variant.
Coding change: c.3969-8C>T on transcript NM_001142864.4 (MANE Select); 8 bases into the intron before coding-DNA position 3969, C replaced by T.
Molecular consequence: intron variant.
Genome position (GRCh38, 1-based): chr16:88,725,692, G>A on the plus strand (C>T on the coding strand, the complement: PIEZO1 is on the minus strand). VCF-style: chr16-88725692-G-A. GRCh37 (hg19) VCF-style: chr16-88792100-G-A.
Identifiers: ClinVar variation 725643 (VCV000725643.7), dbSNP rs570418653, ClinGen allele CA8232292.